The following is an entry in ClinVar:

NM_001197104.2(KMT2A):c.4807del (p.Ser1603fs)

Gene: KMT2A (lysine methyltransferase 2A; plus strand). Cytogenetic location: 11q23.3.
Variant type: Deletion.
Coding change: c.4807del on transcript NM_001197104.2 (MANE Select); coding-DNA position 4807, one base deleted (T; older notation c.4807delT).
Protein change: p.Ser1603fs; shifts the reading frame from serine 1603.
Molecular consequence: frameshift variant.
Genome position (GRCh38, 1-based): chr11:118,491,306, T deleted; the last of 3 consecutive T bases (chr11:118,491,304-118,491,306); deleting any one gives the same sequence. VCF-style (leftmost placement, unchanged base first): chr11-118491303-CT-C. GRCh37 (hg19) VCF-style: chr11-118362018-CT-C.
Other names: c.4906del, p.Ser1636fs (NM_001412597.1); c.4807del, p.Ser1603fs (NM_005933.4); short protein forms S1603fs, S1636fs.
Identifiers: ClinVar variation 3775544 (VCV003775544.1).
Genomic context (GRCh38, chr11:118,491,303, plus strand): 5'-GAGAGTAAGATGATGCAATGTGGAAAGTGTGATCGCTGGGTCCATTCCAAATGTGAGAAT[CT>C]TTCAGGTACAGAAGGTTGGAGTCTTTTTATTTCAGTTTTCTTCTTTCTAGGTACTACTAC-3'

ClinVar aggregate classification (germline): Likely pathogenic (1 of 4 stars; one submission).

Conditions:
Wiedemann-Steiner syndrome (WDSTS). Also called: Growth deficiency and mental retardation with facial dysmorphism. Identifiers: Orphanet 319182, MedGen C1854630, MONDO:0011518, OMIM 605130.

Submission:

3billion
Classification: Likely pathogenic for Wiedemann-Steiner syndrome. Last evaluated: 2023-11-10. Review status: criteria provided, single submitter. Criteria: ACMG Guidelines, 2015. Collection method: clinical testing. Allele origin: germline. Affected: yes.
Comment: The variant is not observed in the gnomAD v2.1.1 dataset. Predicted Consequence/Location: Frameshift: predicted to result in a loss or disruption of normal protein function through nonsense-mediated decay (NMD) or protein truncation. Multiple pathogenic variants are reported downstream of the variant. Therefore, this variant is classified as Likely pathogenic according to the recommendation of ACMG/AMP guideline.